The following is an entry in ClinVar:

ClinVar aggregate classification (germline): Uncertain significance (1 of 4 stars; one submission).

Allele frequency attached by ClinVar (database versions not stated): gnomAD exomes below 0.00001.
gnomAD v4.1: 2 of 1,613,770 alleles (0.00012%); highest among the groups gnomAD compares: Non-Finnish European, 0.00017%; no homozygotes.

Submission:

Labcorp Genetics (formerly Invitae), Labcorp
Classification: Uncertain significance. Last evaluated: 2022-06-05. Review status: criteria provided, single submitter. Criteria: Invitae Variant Classification Sherloc (09022015). Collection method: clinical testing. Allele origin: germline.
Comment: This sequence change replaces proline, which is neutral and non-polar, with threonine, which is neutral and polar, at codon 31 of the CEACAM16 protein (p.Pro31Thr). This variant is not present in population databases (gnomAD no frequency). This variant has not been reported in the literature in individuals affected with CEACAM16-related conditions. ClinVar contains an entry for this variant (Variation ID: 1474392). Algorithms developed to predict the effect of missense changes on protein structure and function are either unavailable or do not agree on the potential impact of this missense change (SIFT: "Tolerated"; PolyPhen-2: "Probably Damaging"; Align-GVGD: "Class C0"). In summary, the available evidence is currently insufficient to determine the role of this variant in disease. Therefore, it has been classified as a Variant of Uncertain Significance.

NM_001039213.4(CEACAM16):c.91C>A (p.Pro31Thr)

Genes: CEACAM16 (CEA cell adhesion molecule 16, tectorial membrane component; plus strand), CEACAM16-AS1 (CEACAM16, CEACAM19 and PVR antisense RNA 1; minus strand). Cytogenetic location: 19q13.32.
Variant type: single nucleotide variant.
Coding change: c.91C>A on transcript NM_001039213.4 (MANE Select); coding-DNA position 91, C replaced by A.
Protein change: p.Pro31Thr; replaces proline 31 with threonine.
Molecular consequence: missense variant.
Genome position (GRCh38, 1-based): chr19:44,703,402, C>A. VCF-style: chr19-44703402-C-A. GRCh37 (hg19) VCF-style: chr19-45206672-C-A.
Other names: short protein forms P31T.
Identifiers: ClinVar variation 1474392 (VCV001474392.6), dbSNP rs1456226708, ClinGen allele CA406287282.